The following is an entry in ClinVar:

ClinVar aggregate classification (germline): Pathogenic (1 of 4 stars; one submission).

Submission:

Labcorp Genetics (formerly Invitae), Labcorp
Classification: Pathogenic. Last evaluated: 2022-05-21. Review status: criteria provided, single submitter. Criteria: Invitae Variant Classification Sherloc (09022015). Collection method: clinical testing. Allele origin: germline.
Comment: For these reasons, this variant has been classified as Pathogenic. This sequence change creates a premature translational stop signal (p.Ala1431Glnfs*5) in the ABCA4 gene. It is expected to result in an absent or disrupted protein product. Loss-of-function variants in ABCA4 are known to be pathogenic (PMID: 10958761, 24938718, 25312043, 26780318). This variant is present in population databases (rs745544039, gnomAD 0.006%). This variant has not been reported in the literature in individuals affected with ABCA4-related conditions.

Literature cited by the submitters: PubMed 10958761; PubMed 24938718; PubMed 25312043; PubMed 26780318.

NM_000350.3(ABCA4):c.4290del (p.Ala1431fs)

Gene: ABCA4 (ATP binding cassette subfamily A member 4; minus strand). Cytogenetic location: 1p22.1.
Variant type: Deletion.
Coding change: c.4290del on transcript NM_000350.3 (MANE Select); coding-DNA position 4290, one base deleted (T; older notation c.4290delT).
Protein change: p.Ala1431fs; shifts the reading frame from alanine 1431.
Molecular consequence: frameshift variant.
Genome position (GRCh38, 1-based): chr1:94,030,490, A deleted on the plus strand (T on the coding strand, the reverse complement: ABCA4 is on the minus strand); the first of 2 consecutive A bases (chr1:94,030,490-94,030,491); deleting either gives the same sequence. VCF-style (leftmost placement, unchanged base first): chr1-94030489-CA-C. GRCh37 (hg19) VCF-style: chr1-94496045-CA-C.
Other names: c.4067delT, p.Ala1357Glnfs (NM_001425324.1); short protein forms A1431fs.
Identifiers: ClinVar variation 2169476 (VCV002169476.4), dbSNP rs745544039, ClinGen allele CA957657.